The following is an entry in ClinVar:

ClinVar aggregate classification (germline): Uncertain significance (1 of 4 stars; one submission).

Conditions:
Oligodontia-cancer predisposition syndrome. Also called: TOOTH AGENESIS-COLORECTAL CANCER SYNDROME. Identifiers: Orphanet 300576, MedGen C1837750, MONDO:0012075, OMIM 608615. Disease mechanism: loss of function.

Submission:

Labcorp Genetics (formerly Invitae), Labcorp
Classification: Uncertain significance for Oligodontia-cancer predisposition syndrome. Last evaluated: 2025-10-29. Review status: criteria provided, single submitter. Criteria: Invitae Variant Classification Sherloc (09022015). Collection method: clinical testing. Allele origin: germline.
Comment: This sequence change replaces tyrosine, which is neutral and polar, with cysteine, which is neutral and slightly polar, at codon 196 of the AXIN2 protein (p.Tyr196Cys). This variant is not present in population databases (gnomAD no frequency). This variant has not been reported in the literature in individuals affected with AXIN2-related conditions. ClinVar contains an entry for this variant (Variation ID: 2957928). Invitae Evidence Modeling of protein sequence and biophysical properties (such as structural, functional, and spatial information, amino acid conservation, physicochemical variation, residue mobility, and thermodynamic stability) indicates that this missense variant is expected to disrupt AXIN2 protein function with a positive predictive value of 80%. In summary, the available evidence is currently insufficient to determine the role of this variant in disease. Therefore, it has been classified as a Variant of Uncertain Significance.

NM_004655.4(AXIN2):c.587A>G (p.Tyr196Cys)

Gene: AXIN2 (axin 2; minus strand). Cytogenetic location: 17q24.1.
Variant type: single nucleotide variant.
Coding change: c.587A>G on transcript NM_004655.4 (MANE Select); coding-DNA position 587, A replaced by G.
Protein change: p.Tyr196Cys; replaces tyrosine 196 with cysteine.
Molecular consequence: missense variant.
Genome position (GRCh38, 1-based): chr17:65,558,034, T>C on the plus strand (A>G on the coding strand, the complement: AXIN2 is on the minus strand). VCF-style: chr17-65558034-T-C. GRCh37 (hg19) VCF-style: chr17-63554152-T-C.
Other names: c.587A>G, p.Tyr196Cys (NM_001363813.1); short protein forms Y196C.
Identifiers: ClinVar variation 2957928 (VCV002957928.3), dbSNP rs2544249226, ClinGen allele CA400680781.